The following is an entry in ClinVar:

ClinVar aggregate classification (germline): Pathogenic. Review status: criteria provided, multiple submitters, no conflicts (2 of 4 stars). 2 submissions from 2 submitters: Pathogenic (2). Last evaluated 2023-06-26.

Conditions:
Familial cancer of breast. Also called: hereditary breast carcinoma; Hereditary breast cancer; BREAST CANCER, FAMILIAL. Identifiers: Orphanet 227535, MedGen C0346153, MONDO:0016419, OMIM 114480. Disease mechanism: loss of function.

Submissions (2):

Myriad Genetics, Inc.
Classification: Pathogenic for Familial cancer of breast. Last evaluated: 2023-06-26. Review status: criteria provided, single submitter. Criteria: Myriad Autosomal Dominant, Autosomal Recessive and X-Linked Classification Criteria (2023). Collection method: clinical testing. Allele origin: unknown.
Comment: This variant is considered pathogenic. This variant creates a termination codon and is predicted to result in premature protein truncation.

Labcorp Genetics (formerly Invitae), Labcorp
Classification: Pathogenic for Familial cancer of breast. Last evaluated: 2020-09-04. Review status: criteria provided, single submitter. Criteria: Invitae Variant Classification Sherloc (09022015). Collection method: clinical testing. Allele origin: germline.
Comment: For these reasons, this variant has been classified as Pathogenic. Loss-of-function variants in CHEK2 are known to be pathogenic (PMID: 21876083, 24713400). This variant is not present in population databases (ExAC no frequency). This sequence change creates a premature translational stop signal (p.Glu263*) in the CHEK2 gene. It is expected to result in an absent or disrupted protein product. This variant has not been reported in the literature in individuals with CHEK2-related conditions.

Literature cited by the submitters: PubMed 21876083 (cited by Labcorp Genetics (formerly Invitae), Labcorp); PubMed 24713400 (cited by Labcorp Genetics (formerly Invitae), Labcorp).

NM_007194.4(CHEK2):c.787G>T (p.Glu263Ter)

Gene: CHEK2 (checkpoint kinase 2; minus strand). Cytogenetic location: 22q12.1.
Variant type: single nucleotide variant.
Coding change: c.787G>T on transcript NM_007194.4 (MANE Select); coding-DNA position 787, G replaced by T.
Protein change: p.Glu263Ter; replaces glutamic acid 263 with a stop codon.
Molecular consequence: nonsense.
Genome position (GRCh38, 1-based): chr22:28,711,914, C>A on the plus strand (G>T on the coding strand, the complement: CHEK2 is on the minus strand). VCF-style: chr22-28711914-C-A. GRCh37 (hg19) VCF-style: chr22-29107902-C-A.
Other names: c.916G>T, p.Glu306Ter (NM_001005735.3); c.124G>T, p.Glu42Ter (NM_001257387.3); c.586G>T, p.Glu196Ter (NM_001349956.3); c.787G>T, p.Glu263Ter (NM_145862.3); short protein forms E196*, E263*, E306*, E42*.
Identifiers: ClinVar variation 1076324 (VCV001076324.9), dbSNP rs730881686, ClinGen allele CA411103046.